The following is an entry in ClinVar:

ClinVar aggregate classification (germline): Likely benign. Review status: criteria provided, single submitter (1 of 4 stars). 2 submissions from 2 submitters: Likely benign (1). 1 of the submissions does not count toward it. Last evaluated 2021-09-27.

Conditions:
Inborn genetic diseases. Identifiers: MedGen C0950123, MeSH D030342.
NFASC-related disorder. Also called: NFASC-related condition.

Allele frequency attached by ClinVar (database versions not stated): gnomAD exomes 0.00029; gnomAD 0.00037; TOPMed 0.00041; ExAC 0.00046; ESP Exome Variant Server 0.00054.
gnomAD v4.1: 508 of 1,614,012 alleles (0.031%); highest among the groups gnomAD compares: Middle Eastern, 0.27%; no homozygotes.

Submissions (2):

Ambry Genetics
Classification: Likely benign for Inborn genetic diseases. Last evaluated: 2021-09-27. Review status: criteria provided, single submitter. Criteria: Ambry Variant Classification Scheme 2023. Collection method: clinical testing. Allele origin: germline.

PreventionGenetics, part of Exact Sciences
Classification: Likely benign for NFASC-related condition. Last evaluated: 2019-02-19. Review status: no assertion criteria provided. Collection method: clinical testing. Allele origin: germline. Not counted in ClinVar's aggregate classification.
Comment: This variant is classified as likely benign based on ACMG/AMP sequence variant interpretation guidelines (Richards et al. 2015 PMID: 25741868, with internal and published modifications).

NM_001005388.3(NFASC):c.2759C>T (p.Pro920Leu)

Gene: NFASC (neurofascin; plus strand). Cytogenetic location: 1q32.1.
Variant type: single nucleotide variant.
Coding change: c.2759C>T on transcript NM_001005388.3 (MANE Select); coding-DNA position 2759, C replaced by T.
Protein change: p.Pro920Leu; replaces proline 920 with leucine.
Molecular consequence: missense variant.
Genome position (GRCh38, 1-based): chr1:204,988,798, C>T. VCF-style: chr1-204988798-C-T. GRCh37 (hg19) VCF-style: chr1-204957926-C-T.
Other names: c.3113C>T, p.Pro1038Leu (NM_001160331.2); c.3068C>T, p.Pro1023Leu (NM_001160332.2, NM_015090.4); c.2747C>T, p.Pro916Leu (NM_001365986.1); c.3080C>T, p.Pro1027Leu (NM_001378329.1); short protein forms P1027L, P1038L, P1023L, P916L, P920L.
Identifiers: ClinVar variation 2356583 (VCV002356583.4), dbSNP rs146213953, ClinGen allele CA1350435.
Genomic context (GRCh38, chr1:204,988,798, plus strand): 5'-TCAGCGCCAGGACGCAGGTGGGCTCTGGGGAAGCCGTCACAGAGGAGTCACCAGCACCCC[C>T]GAATGAAGGTAGGTGCATGGCAGCAGCCCCTGGGGTAAAAGGTCCCAGCTAATTCCGAGG-3'
Protein context (NP_001005388.2, residues 910-930): EAVTEESPAP[Pro920Leu]NEATPTAAPP